The following is an entry in ClinVar:

ClinVar aggregate classification (germline): Uncertain significance (0 of 4 stars; one submission).

Allele frequency attached by ClinVar (database versions not stated): gnomAD exomes below 0.00001; ExAC 0.00002.
gnomAD v4.1: 3 of 1,613,840 alleles (0.00019%); highest among the groups gnomAD compares: South Asian, 0.0011%; no homozygotes.

Submission:

Genetic Services Laboratory, University of Chicago
Classification: Uncertain significance. Last evaluated: 2022-07-13. Review status: no assertion criteria provided. Collection method: clinical testing. Allele origin: germline. Affected: no.
Comment: DNA sequence analysis of the ANKRD26 gene demonstrated a sequence change, c.133C>T, which results in the creation of a premature stop codon at amino acid position 45, p.Arg45*. This sequence change is predicted to result in an abnormal transcript, which may be degraded, or may lead to the production of a truncated ANKRD26 protein with potentially abnormal function. This sequence change has been described in the gnomAD database in two individuals which corresponds to a population frequency of 0.0008% (dbSNP rs745331345). This sequence change has not been previously described in individuals with ANKRD26-related disorders. The majority of reported variants in this gene are in the regulatory region and loss-of-function is not a known mechanism of disease for this gene. Due to insufficient evidences and the lack of functional studies, the clinical significance of the p.Arg45* change remains unknown at this time

NM_014915.3(ANKRD26):c.133C>T (p.Arg45Ter)

Genes: ANKRD26 (ankyrin repeat domain containing 26; minus strand), LOC130003554 (ATAC-STARR-seq lymphoblastoid silent region 2243; plus strand). Cytogenetic location: 10p12.1.
Variant type: single nucleotide variant.
Coding change: c.133C>T on transcript NM_014915.3 (MANE Select); coding-DNA position 133, C replaced by T.
Protein change: p.Arg45Ter; replaces arginine 45 with a stop codon.
Molecular consequence: nonsense.
Genome position (GRCh38, 1-based): chr10:27,100,194, G>A on the plus strand (C>T on the coding strand, the complement: ANKRD26 is on the minus strand). VCF-style: chr10-27100194-G-A. GRCh37 (hg19) VCF-style: chr10-27389123-G-A.
Other names: c.133C>T, p.Arg45Ter (NM_001256053.2); short protein forms R45*.
Identifiers: ClinVar variation 2443161 (VCV002443161.2), dbSNP rs745331345, ClinGen allele CA5449051.
Genomic context (GRCh38, chr10:27,100,194, plus strand): 5'-TCTGCTGCACTTTCGCCACATTACCCGCGCTGGCAGCTTTGTGGATCTTGCCGAGATCTC[G>A]GTCTCGGACGTGGTAGCCGGGCTGCGAGTAGGCGCCCTCCCCCGGCTCGCCCCCGCCTCC-3'